The following is an entry in ClinVar:

ClinVar aggregate classification (germline): Conflicting classifications of pathogenicity. Review status: criteria provided, conflicting classifications (1 of 4 stars). 3 submissions from 3 submitters: Uncertain significance (2); Likely benign (1). Last evaluated 2025-08-03.

Conditions:
Inborn genetic diseases. Identifiers: MedGen C0950123, MeSH D030342.
Immunodeficiency 104. Also called: Severe combined immunodeficiency, autosomal recessive, T cell-negative, B cell-positive, NK cell-positive; IMMUNODEFICIENCY 104, SEVERE COMBINED; Severe Combined Immune Deficiency, Autosomal Recessive, TCell -Negative, B Cell-Positive, NK Cell-Positive, IL7R-Related; SCID, AUTOSOMAL RECESSIVE, T CELL-NEGATIVE, B CELL-POSITIVE, NK CELL-POSITIVE. Identifiers: MedGen C5676890, MONDO:0012163, OMIM 608971.

Allele frequency attached by ClinVar (database versions not stated): gnomAD 0.00040; 1000 Genomes Project 30x 0.00047; TOPMed 0.00052; ESP Exome Variant Server 0.00054; 1000 Genomes Project 0.00060.
gnomAD v4.1: 123 of 1,613,972 alleles (0.0076%); highest among the groups gnomAD compares: African/African-American, 0.11%; 1 homozygote.

Submissions (3):

Ambry Genetics
Classification: Uncertain significance for Inborn genetic diseases. Last evaluated: 2025-08-03. Review status: criteria provided, single submitter. Criteria: Ambry Variant Classification Scheme 2023. Collection method: clinical testing. Allele origin: germline.

Labcorp Genetics (formerly Invitae), Labcorp
Classification: Uncertain significance for Immunodeficiency 104. Last evaluated: 2024-12-16. Review status: criteria provided, single submitter. Criteria: Invitae Variant Classification Sherloc (09022015). Collection method: clinical testing. Allele origin: germline.
Comment: This sequence change replaces aspartic acid, which is acidic and polar, with asparagine, which is neutral and polar, at codon 538 of the PTPRC protein (p.Asp538Asn). This variant is present in population databases (rs144856406, gnomAD 0.1%). This variant has not been reported in the literature in individuals affected with PTPRC-related conditions. ClinVar contains an entry for this variant (Variation ID: 1016502). An algorithm developed to predict the effect of missense changes on protein structure and function outputs the following: PolyPhen-2: "Benign". The asparagine amino acid residue is found in multiple mammalian species, which suggests that this missense change does not adversely affect protein function. In summary, the available evidence is currently insufficient to determine the role of this variant in disease. Therefore, it has been classified as a Variant of Uncertain Significance.

CeGaT Center for Human Genetics Tuebingen
Classification: Likely benign. Last evaluated: 2022-06-01. Review status: criteria provided, single submitter. Criteria: CeGaT Center For Human Genetics Tuebingen Variant Classification Criteria Version 2. Collection method: clinical testing. Allele origin: germline. Affected: yes. Observed: 1 variant allele.
Comment: PTPRC: BP4

NM_002838.5(PTPRC):c.1612G>A (p.Asp538Asn)

Gene: PTPRC (protein tyrosine phosphatase receptor type C; plus strand). Cytogenetic location: 1q32.1.
Variant type: single nucleotide variant.
Coding change: c.1612G>A on transcript NM_002838.5 (MANE Select); coding-DNA position 1612, G replaced by A.
Protein change: p.Asp538Asn; replaces aspartic acid 538 with asparagine.
Molecular consequence: missense variant.
Genome position (GRCh38, 1-based): chr1:198,718,255, G>A. VCF-style: chr1-198718255-G-A. GRCh37 (hg19) VCF-style: chr1-198687384-G-A.
Other names: c.1129G>A, p.Asp377Asn (NM_080921.4); c.1606G>A (NM_002838.3); short protein forms D377N, D538N.
Identifiers: ClinVar variation 1016502 (VCV001016502.30), dbSNP rs144856406, ClinGen allele CA1314836.